The following is an entry in ClinVar:

ClinVar aggregate classification (germline): Conflicting classifications of pathogenicity. Review status: criteria provided, conflicting classifications (1 of 4 stars). 15 submissions from 15 submitters: Pathogenic (5); Likely pathogenic (9); Uncertain significance (1). Last evaluated 2026-04-17.

Conditions:
Cardiovascular phenotype. Identifiers: MedGen CN230736.
Cardiac arrhythmia. Also called: Cardiac rhythm disease; Arrhythmia. Identifiers: MedGen C0003811, MONDO:0007263, HP:0011675.
KCNQ1-related disorder. Also called: KCNQ1-related condition; KCNQ1-related disorders. Identifiers: MedGen CN239322.
Atrial fibrillation, familial, 3 (ATFB3). Identifiers: MedGen C1837014, MONDO:0011857, OMIM 607554.
Short QT syndrome type 2. Identifiers: Orphanet 51083, MedGen C1865019, MONDO:0012313, OMIM 609621.
Long QT syndrome 1 (LQT1). Identifiers: Orphanet 101016, Orphanet 768, MedGen C4551647, MONDO:0100316, OMIM 192500, MONDO:0008646.
Jervell and Lange-Nielsen syndrome 1 (JLNS1). Also called: PROLONGED QT INTERVAL IN EKG AND SUDDEN DEATH; SURDO-CARDIAC SYNDROME; CARDIOAUDITORY SYNDROME OF JERVELL AND LANGE-NIELSEN; DEAFNESS, CONGENITAL, AND FUNCTIONAL HEART DISEASE. Identifiers: Orphanet 768, Orphanet 90647, MedGen C4551509, MONDO:0024540, OMIM 220400.
Jervell and Lange-Nielsen syndrome (JLNS). Also called: Jervell-Lange Nielsen syndrome. Identifiers: Orphanet 90647, MedGen C0022387, MONDO:0002441.
Long QT syndrome (LQTS). Identifiers: MedGen C0023976, MeSH D008133, MONDO:0002442. Disease mechanism: loss of function. Inheritance: Various modes of inheritance.

Allele frequency attached by ClinVar (database versions not stated): gnomAD 0.00001; gnomAD exomes 0.00001; TOPMed 0.00001; ExAC 0.00002.
gnomAD v4.1: 10 of 1,609,124 alleles (0.00062%); highest among the groups gnomAD compares: East Asian, 0.0022%; no homozygotes.

Submissions 1 to 7 of 15:

Women's Health and Genetics/Laboratory Corporation of America, LabCorp
Classification: Pathogenic for Jervell and Lange-Nielsen syndrome. Last evaluated: 2026-04-17. Review status: criteria provided, single submitter. Criteria: LabCorp Variant Classification Summary - May 2015. Collection method: clinical testing. Allele origin: germline.
Comment: Variant summary: KCNQ1 c.683+5G>A alters a nucleotide located close to a canonical splice site and therefore could affect mRNA splicing, leading to a significantly altered protein sequence. Several computational tools predict a significant impact on normal splicing: Four predict that the variant weakens the canonical 5' donor site. At least one publication reports experimental evidence using a minigene assay and found that this variant resulted in a complete loss of normal mRNA splicing (O'Neil_2022). The variant allele was found at a frequency of 1.2e-05 in 248582 control chromosomes. c.683+5G>A has been observed in multiple individuals affected with Long QT Syndrome and has been reported as a biallelic genotype in at least three individuals affected with Jervell and Lange-Nielsen Syndrome, including two siblings with a pathogenic variant in trans (e.g. Moss_2007, Kapa_2009, Barsheshet_2012, Lieve_2013, Ruwald_2016, Itoh_2016, Al-Hassnan_2017, Koponen_2018, Huttunen_2018, Morgat_2014, Wang_2016). These data indicate that the variant is likely to be associated with disease. The following publications have been ascertained in the context of this evaluation (PMID: 28438721, 22456477, 19862833, 29740400, 26669661, 19841300, 29622001, 23631430, 38825991, 17470695, 36197721, 26318259, 27917693). ClinVar contains an entry for this variant (Variation ID: 53084). Based on the evidence outlined above, the variant was classified as pathogenic for Long QT Syndrome and Jervell and Lange-Nielsen Syndrome.

PreventionGenetics, part of Exact Sciences
Classification: Likely pathogenic for KCNQ1-related condition. Last evaluated: 2026-02-27. Review status: criteria provided, single submitter. Criteria: ACMG Guidelines, 2015. Collection method: clinical testing. Allele origin: germline.
Comment: The KCNQ1 c.683+5G>A variant is predicted to interfere with splicing. This variant has been reported in the heterozygous state in multiple individuals with long QT syndrome (referred to as IVS4+5G>A, Moss et al. 2007. PubMed ID: 17470695; Table S1, Lieve et al. 2013. PubMed ID: 23631430; Table S1, Marschall et al. 2019. PubMed ID: 31737537; Al-Hassnan et al. 2017. PubMed ID: 28438721). This variant has also been reported in the compound heterozygous state with a KCNQ1 loss-of-function variant in two siblings with Jervell and Lange-Nielsen syndrome (Wang et al. 2016. PubMed ID: 27917693). In vitro experimental studies using minigene splicing assays suggest this variant ablates wild-type splicing and introduces a pseudoexon and exon skipping (O'Neill et al. 2022. PubMed ID: 36197721). This variant is reported in 0.0028% of alleles in individuals of Latino descent in gnomAD. This variant is interpreted as likely pathogenic.

GeneDx
Classification: Likely pathogenic. Last evaluated: 2025-06-30. Review status: criteria provided, single submitter. Criteria: GeneDx Variant Classification Process June 2021. Collection method: clinical testing. Allele origin: germline. Affected: yes.
Comment: RNA studies demonstrate a damaging effect as alternate splicing led to inclusion of a pseudoexon and exon skipping occurred (PMID: 36197721); Not observed at significant frequency in large population cohorts (gnomAD); This variant is associated with the following publications: (PMID: 28438721, 23631430, 17470695, 19841300, 7446532, 25525159, 27917693, 32383558, 31737537, 26318259, 22456477, 34135346, 34319147, 29740400, 29622001, 26669661, 19862833, 36232963, Crehalet_2012_Cardiogenetics, 36197721)

Ambry Genetics
Classification: Likely pathogenic for Cardiovascular phenotype. Last evaluated: 2025-04-14. Review status: criteria provided, single submitter. Criteria: Ambry Variant Classification Scheme 2023. Collection method: clinical testing. Allele origin: germline.
Comment: The c.683+5G>A intronic variant results from a G to A substitution 5 nucleotides after coding exon 4 in the KCNQ1 gene. This alteration has been detected in individuals with long QT syndrome (LQTS) and in compound heterozygotes with Jervell and Lange-Nielsen syndrome (JLNS), as well as in some asymptomatic carrier parents (Moss AJ et al. Circulation, 2007 May;115:2481-9; Kapa S et al. Circulation, 2009 Nov;120:1752-60; Crehalet H et al. Cardiogen., 2012;2:26-31; Lieve KV et al. Genet Test Mol Biomarkers, 2013 Jul;17:553-61; Wang C et al. Acta Otolaryngol., 2017 May;137:522-528; Al-Hassnan ZN et al. Heart Rhythm, 2017 Aug;14:1191-1199). RNA splicing studies demonstrated this alteration leads to skipping of exon 4 (Crehalet H et al. Cardiogen., 2012;2:26-31). This nucleotide position is not well conserved in available vertebrate species. In silico splice site analysis predicts that this alteration will not have any significant effect on splicing. Based on the majority of available evidence to date, this variant is likely to be pathogenic.

Labcorp Genetics (formerly Invitae), Labcorp
Classification: Pathogenic for Long QT syndrome. Last evaluated: 2025-03-29. Review status: criteria provided, single submitter. Criteria: Invitae Variant Classification Sherloc (09022015). Collection method: clinical testing. Allele origin: germline.
Comment: This sequence change falls in intron 4 of the KCNQ1 gene. It does not directly change the encoded amino acid sequence of the KCNQ1 protein. It affects a nucleotide within the consensus splice site. This variant is present in population databases (rs397508122, gnomAD 0.003%). This variant has been observed in individual(s) with Jervell and Lange-Nielsen syndrome or long QT syndrome (PMID: 17470695, 19841300, 23631430, 27917693, 28438721, 29622001). In at least one individual the data is consistent with being in trans (on the opposite chromosome) from a pathogenic variant. It has also been observed to segregate with disease in related individuals. This variant is also known as IVS4+5G>A. ClinVar contains an entry for this variant (Variation ID: 53084). Variants that disrupt the consensus splice site are a relatively common cause of aberrant splicing (PMID: 17576681, 9536098). Algorithms developed to predict the effect of sequence changes on RNA splicing suggest that this variant may disrupt the consensus splice site. For these reasons, this variant has been classified as Pathogenic.

Laboratory of Genetics, Children's Clinical University Hospital Latvia
Classification: Likely pathogenic. Last evaluated: 2025-02-16. Review status: criteria provided, single submitter. Criteria: ACMG Guidelines, 2015. Collection method: clinical testing. Allele origin: germline. Affected: yes.

Color Diagnostics, LLC DBA Color Health
Classification: Likely pathogenic for Cardiac arrhythmia. Last evaluated: 2024-07-30. Review status: criteria provided, single submitter. Criteria: ACMG Guidelines, 2015. Collection method: clinical testing. Allele origin: germline.
Comment: This variant causes a G>A nucleotide substitution at the +5 position of intron 4 of the KCNQ1 gene. In vitro mini-gene splice assays have shown that this variant causes a complete abrogation of normal splicing, resulting in skipping exon 4 or introduction of a pseudoexon in the majority of transcripts (PMID: 36197721, doi:10.4081/cardiogenetics.2012.e6). This variant has been reported in at lest six individuals affected with long QT syndrome (PMID: 19841300, 23631430, 26318259, 26669661, 28438721, 29740400). This variant has also been reported in compound heterozygosity with a pathogenic variant in individuals affected with severe phenotype (doi:10.4081/cardiogenetics.2012.e6) or with autosomal recessive Jervell and Lange-Nielsen syndrome (PMID: 27917693). This variant has also been identified in 4/271744 chromosomes in the general population by the Genome Aggregation Database (gnomAD). Based on the available evidence, this variant is classified as Likely Pathogenic.

NM_000218.3(KCNQ1):c.683+5G>A

Gene: KCNQ1 (potassium voltage-gated channel subfamily Q member 1; plus strand). Cytogenetic location: 11p15.5.
Variant type: single nucleotide variant.
Coding change: c.683+5G>A on transcript NM_000218.3 (MANE Select); 5 bases into the intron after coding-DNA position 683, G replaced by A.
Molecular consequence: intron variant.
Genome position (GRCh38, 1-based): chr11:2,571,408, G>A. VCF-style: chr11-2571408-G-A. GRCh37 (hg19) VCF-style: chr11-2592638-G-A.
Other names: c.413+5G>A (NM_001406837.1); c.683+5G>A (NM_001406836.1); c.478-12027G>A (NM_001406838.1); c.302+5G>A (NM_181798.2).
Identifiers: ClinVar variation 53084 (VCV000053084.42), dbSNP rs397508122, ClinGen allele CA007901.